The following is an entry in ClinVar:

ClinVar aggregate classification (germline): Conflicting classifications of pathogenicity. Review status: criteria provided, conflicting classifications (1 of 4 stars). 4 submissions from 4 submitters: Pathogenic (2); Uncertain significance (2). Last evaluated 2022-10-26.

Conditions:
Hereditary spastic paraplegia. Also called: Familial spastic paraparesis. Identifiers: Orphanet 685, MedGen C0037773, MONDO:0019064. Disease mechanism: loss of function.
Hereditary spastic paraplegia 3A (SPG3A). Also called: SPASTIC PARAPLEGIA 3, AUTOSOMAL DOMINANT; FAMILIAL SPASTIC PARAPLEGIA, AUTOSOMAL DOMINANT, 1; SPG3; STRUMPELL DISEASE; Spastic Paraplegia 3A; Spastic paraplegia 3A, autosomal dominant. Identifiers: Orphanet 100984, MedGen C2931355, MONDO:0008437, OMIM 182600.

Submissions (4):

Labcorp Genetics (formerly Invitae), Labcorp
Classification: Pathogenic for Hereditary spastic paraplegia 3A. Last evaluated: 2022-10-26. Review status: criteria provided, single submitter. Criteria: Invitae Variant Classification Sherloc (09022015). Collection method: clinical testing. Allele origin: germline.
Comment: For these reasons, this variant has been classified as Pathogenic. This variant disrupts the p.Gly409 amino acid residue in ATL1. Other variant(s) that disrupt this residue have been determined to be pathogenic (Invitae). This suggests that this residue is clinically significant, and that variants that disrupt this residue are likely to be disease-causing. Advanced modeling of protein sequence and biophysical properties (such as structural, functional, and spatial information, amino acid conservation, physicochemical variation, residue mobility, and thermodynamic stability) performed at Invitae indicates that this missense variant is expected to disrupt ATL1 protein function. ClinVar contains an entry for this variant (Variation ID: 870859). This missense change has been observed in individual(s) with spastic paraplegia (PMID: 25193411). In at least one individual the variant was observed to be de novo. This variant is not present in population databases (gnomAD no frequency). This sequence change replaces glycine, which is neutral and non-polar, with aspartic acid, which is acidic and polar, at codon 409 of the ATL1 protein (p.Gly409Asp).

Revvity Omics, Revvity
Classification: Uncertain significance. Last evaluated: 2020-12-10. Review status: criteria provided, single submitter. Criteria: ACMG Guidelines, 2015. Collection method: clinical testing. Allele origin: germline.

CeGaT Center for Human Genetics Tuebingen
Classification: Pathogenic. Last evaluated: 2017-08-01. Review status: criteria provided, single submitter. Criteria: CeGaT Center For Human Genetics Tuebingen Variant Classification Criteria Version 2. Collection method: clinical testing. Allele origin: germline. Affected: yes. Observed: 1 variant allele.

Genome Diagnostics Laboratory, The Hospital for Sick Children
Classification: Uncertain significance for Hereditary spastic paraplegia. Last evaluated: 2016-12-12. Review status: criteria provided, single submitter. Criteria: ACMG Guidelines, 2015. Collection method: clinical testing. Allele origin: germline. Affected: yes.

Literature cited by the submitters: PubMed 25193411 (cited by Labcorp Genetics (formerly Invitae), Labcorp).

NM_015915.5(ATL1):c.1226G>A (p.Gly409Asp)

Gene: ATL1 (atlastin GTPase 1; plus strand). Cytogenetic location: 14q22.1.
Variant type: single nucleotide variant.
Coding change: c.1226G>A on transcript NM_015915.5 (MANE Select); coding-DNA position 1226, G replaced by A.
Protein change: p.Gly409Asp; replaces glycine 409 with aspartic acid.
Molecular consequence: missense variant.
Genome position (GRCh38, 1-based): chr14:50,628,137, G>A. VCF-style: chr14-50628137-G-A. GRCh37 (hg19) VCF-style: chr14-51094855-G-A.
Other names: c.1226G>A, p.Gly409Asp (NM_001127713.1, NM_181598.4); short protein forms G409D.
Identifiers: ClinVar variation 870859 (VCV000870859.50), dbSNP rs2039539644, ClinGen allele CA389675810.